The following is an entry in ClinVar:

NM_006180.6(NTRK2):c.851A>G (p.His284Arg)

Gene: NTRK2 (neurotrophic receptor tyrosine kinase 2; plus strand). Cytogenetic location: 9q21.33.
Variant type: single nucleotide variant.
Coding change: c.851A>G on transcript NM_006180.6 (MANE Select); coding-DNA position 851, A replaced by G.
Protein change: p.His284Arg; replaces histidine 284 with arginine.
Molecular consequence: missense variant.
Genome position (GRCh38, 1-based): chr9:84,724,354, A>G. VCF-style: chr9-84724354-A-G. GRCh37 (hg19) VCF-style: chr9-87339269-A-G.
Other names: c.851A>G, p.His284Arg (NM_001007097.3, NM_001018064.3, NM_001018065.2 and 18 more transcripts); c.383A>G, p.His128Arg (NM_001369535.1, NM_001369536.1, NM_001369550.1 and 2 more transcripts); short protein forms H284R, H128R.
Identifiers: ClinVar variation 4985597 (VCV004985597.1).

ClinVar aggregate classification (germline): Uncertain significance (1 of 4 stars; one submission).

Conditions:
NTRK2-related disorder. Also called: NTRK2-related condition.

gnomAD v4.1: 2 of 1,614,184 alleles (0.00012%); highest among the groups gnomAD compares: Admixed American, 0.0017%; no homozygotes.

Submission:

PreventionGenetics, part of Exact Sciences
Classification: Uncertain significance for NTRK2-related condition. Last evaluated: 2026-05-08. Review status: criteria provided, single submitter. Criteria: ACMG Guidelines, 2015. Collection method: clinical testing. Allele origin: germline.
Comment: The NTRK2 c.851A>G variant is predicted to result in the amino acid substitution p.His284Arg. To our knowledge, this variant has not been reported in the literature. This variant is reported in 0.0029% of alleles in individuals of Latino descent in gnomAD. At this time, the clinical significance of this variant is uncertain due to the absence of conclusive functional and genetic evidence.